The following is an entry in ClinVar:

NM_001458.5(FLNC):c.6011C>T (p.Ser2004Phe)

Genes: FLNC (filamin C; plus strand), FLNC-AS1 (FLNC antisense RNA 1; minus strand). Cytogenetic location: 7q32.1.
Variant type: single nucleotide variant.
Coding change: c.6011C>T on transcript NM_001458.5 (MANE Select); coding-DNA position 6011, C replaced by T.
Protein change: p.Ser2004Phe; replaces serine 2004 with phenylalanine.
Molecular consequence: missense variant.
Genome position (GRCh38, 1-based): chr7:128,852,834, C>T. VCF-style: chr7-128852834-C-T. GRCh37 (hg19) VCF-style: chr7-128492888-C-T.
Other names: c.5912C>T, p.Ser1971Phe (NM_001127487.2); short protein forms S1971F, S2004F.
Identifiers: ClinVar variation 2585967 (VCV002585967.2), dbSNP rs2536659930, ClinGen allele CA369210891.

ClinVar aggregate classification (germline): Uncertain significance (1 of 4 stars; one submission).

Conditions:
Cardiovascular phenotype. Identifiers: MedGen CN230736.

Submission:

Ambry Genetics
Classification: Uncertain significance for Cardiovascular phenotype. Last evaluated: 2023-09-14. Review status: criteria provided, single submitter. Criteria: Ambry Variant Classification Scheme 2023. Collection method: clinical testing. Allele origin: germline.
Comment: The p.S2004F variant (also known as c.6011C>T), located in coding exon 37 of the FLNC gene, results from a C to T substitution at nucleotide position 6011. The serine at codon 2004 is replaced by phenylalanine, an amino acid with highly dissimilar properties. This variant has been detected in an individual with congenital myopathy; however, details were limited (Savarese M et al. Acta Neuropathol Commun, 2014 Sep;2:100). This amino acid position is highly conserved in available vertebrate species. In addition, this alteration is predicted to be deleterious by in silico analysis. Since supporting evidence is limited at this time, the clinical significance of this alteration remains unclear.

Literature cited by the submitters: PubMed 25214167.